The following is an entry in ClinVar:

NM_005422.4(TECTA):c.2041G>C (p.Gly681Arg)

Genes: TBCEL-TECTA (TBCEL-TECTA readthrough; plus strand), TECTA (tectorin alpha; plus strand). Cytogenetic location: 11q23.3.
Variant type: single nucleotide variant.
Coding change: c.2041G>C on transcript NM_005422.4 (MANE Select); coding-DNA position 2041, G replaced by C.
Protein change: p.Gly681Arg; replaces glycine 681 with arginine.
Molecular consequence: missense variant.
Genome position (GRCh38, 1-based): chr11:121,128,018, G>C. VCF-style: chr11-121128018-G-C. GRCh37 (hg19) VCF-style: chr11-120998727-G-C.
Other names: c.2998G>C, p.Gly1000Arg (NM_001378761.1); short protein forms G1000R, G681R.
Identifiers: ClinVar variation 1309844 (VCV001309844.2), dbSNP rs2135081444, ClinGen allele CA383014043.

ClinVar aggregate classification (germline): Uncertain significance (1 of 4 stars; one submission).

Submission:

GeneDx
Classification: Uncertain significance. Last evaluated: 2019-08-27. Review status: criteria provided, single submitter. Criteria: GeneDx Variant Classification Process June 2021. Collection method: clinical testing. Allele origin: germline. Affected: yes.
Comment: Not observed in large population cohorts (Lek et al., 2016); In silico analysis, which includes protein predictors and evolutionary conservation, supports a deleterious effect; Has not been previously published as pathogenic or benign to our knowledge